The following is an entry in ClinVar:

NM_000059.4(BRCA2):c.8061del (p.Leu2688fs)

Gene: BRCA2 (BRCA2 DNA repair associated; plus strand). Cytogenetic location: 13q13.1.
Variant type: Deletion.
Coding change: c.8061del on transcript NM_000059.4 (MANE Select); coding-DNA position 8061, one base deleted (T; older notation c.8061delT).
Protein change: p.Leu2688fs; shifts the reading frame from leucine 2688.
Molecular consequence: frameshift variant. On other transcripts: non-coding transcript variant (1).
Genome position (GRCh38, 1-based): chr13:32,363,263, T deleted; the last of 2 consecutive T bases (chr13:32,363,262-32,363,263); deleting either gives the same sequence. VCF-style (leftmost placement, unchanged base first): chr13-32363261-GT-G. GRCh37 (hg19) VCF-style: chr13-32937398-GT-G.
Other names: c.7965del, p.Leu2656fs (NM_001406719.1); c.8061del, p.Leu2688fs (NM_001406720.1, NM_001432077.1); c.3129del, p.Leu1044fs (NM_001406721.1); c.1644del, p.Leu549fs (NM_001406722.1); short protein forms L1044fs, L2656fs, L2688fs, L549fs.
Identifiers: ClinVar variation 4867888 (VCV004867888.1).

ClinVar aggregate classification (germline): Pathogenic (1 of 4 stars; one submission).

Conditions:
Hereditary cancer-predisposing syndrome. Also called: Neoplastic Syndromes, Hereditary; Tumor predisposition; Hereditary Cancer Syndrome; Hereditary neoplastic syndrome. Identifiers: Orphanet 140162, MedGen C0027672, MeSH D009386, MONDO:0015356.

Submission:

Ambry Genetics
Classification: Pathogenic for Hereditary cancer-predisposing syndrome. Last evaluated: 2026-06-12. Review status: criteria provided, single submitter. Criteria: Ambry Variant Classification Scheme 2023. Collection method: clinical testing. Allele origin: germline.
Comment: The c.8061delT pathogenic mutation, located in coding exon 17 of the BRCA2 gene, results from a deletion of one nucleotide at nucleotide position 8061, causing a translational frameshift with a predicted alternate stop codon (p.L2688Sfs*6). This variant is considered to be rare based on population cohorts in the Genome Aggregation Database (gnomAD).This alteration is expected to result in loss of function by premature protein truncation or nonsense-mediated mRNA decay. As such, this alteration is interpreted as a disease-causing mutation.